The following is an entry in ClinVar:

ClinVar aggregate classification (germline): Uncertain significance. Review status: criteria provided, multiple submitters, no conflicts (2 of 4 stars). 3 submissions from 3 submitters: Uncertain significance (3). Last evaluated 2026-06-16.

Conditions:
Inborn genetic diseases. Identifiers: MedGen C0950123, MeSH D030342.
SAMD9-related disorder. Also called: SAMD9-related condition.

Allele frequency attached by ClinVar (database versions not stated): gnomAD exomes below 0.00001.

Submissions (3):

Ambry Genetics
Classification: Uncertain significance for Inborn genetic diseases. Last evaluated: 2026-06-16. Review status: criteria provided, single submitter. Criteria: Ambry Variant Classification Scheme 2023. Collection method: clinical testing. Allele origin: germline.
Comment: The p.A716T variant (also known as c.2146G>A), located in coding exon 1 of the SAMD9 gene, results from a G to A substitution at nucleotide position 2146. The alanine at codon 716 is replaced by threonine, an amino acid with similar properties. This amino acid position is conserved. In addition, this alteration is predicted to be tolerated by in silico analysis. Based on the available evidence, the clinical significance of this variant remains unclear.

GeneDx
Classification: Uncertain significance. Last evaluated: 2023-02-23. Review status: criteria provided, single submitter. Criteria: GeneDx Variant Classification Process June 2021. Collection method: clinical testing. Allele origin: germline. Affected: yes.
Comment: Not observed at significant frequency in large population cohorts (gnomAD); In silico analysis supports that this missense variant does not alter protein structure/function; Has not been previously published as pathogenic or benign to our knowledge; This variant is associated with the following publications: (PMID: 28545555)

PreventionGenetics, part of Exact Sciences
Classification: Uncertain significance for SAMD9-related condition. Last evaluated: 2022-09-26. Review status: criteria provided, single submitter. Criteria: ACMG Guidelines, 2015. Collection method: clinical testing. Allele origin: germline.
Comment: The SAMD9 c.2146G>A variant is predicted to result in the amino acid substitution p.Ala716Thr. To our knowledge, this variant has not been reported in the literature. This variant is reported in 0.00088% of alleles in individuals of European (Non-Finnish) descent in gnomAD. At this time, the clinical significance of this variant is uncertain due to the absence of conclusive functional and genetic evidence.

NM_017654.4(SAMD9):c.2146G>A (p.Ala716Thr)

Gene: SAMD9 (sterile alpha motif domain containing 9; minus strand). Cytogenetic location: 7q21.2.
Variant type: single nucleotide variant.
Coding change: c.2146G>A on transcript NM_017654.4 (MANE Select); coding-DNA position 2146, G replaced by A.
Protein change: p.Ala716Thr; replaces alanine 716 with threonine.
Molecular consequence: missense variant.
Genome position (GRCh38, 1-based): chr7:93,103,952, C>T on the plus strand (G>A on the coding strand, the complement: SAMD9 is on the minus strand). VCF-style: chr7-93103952-C-T. GRCh37 (hg19) VCF-style: chr7-92733265-C-T.
Other names: c.2146G>A, p.Ala716Thr (NM_001193307.2); short protein forms A716T.
Identifiers: ClinVar variation 2577635 (VCV002577635.3), dbSNP rs1170148861, ClinGen allele CA368192738.